The following is an entry in ClinVar:

ClinVar aggregate classification (germline): Pathogenic. Review status: criteria provided, single submitter (1 of 4 stars). 2 submissions from 2 submitters: Pathogenic (1). 1 of the submissions does not count toward it.

Conditions:
Spermatogenic failure 31. Identifiers: MedGen C4748234, MONDO:0020852, OMIM 618112.

Submissions (2):

Juno Genomics, Hangzhou Juno Genomics, Inc
Classification: Pathogenic for Spermatogenic failure 31. Review status: criteria provided, single submitter. Criteria: ACMG Guidelines, 2015. Collection method: clinical testing. Allele origin: germline.
Comment: Absent from controls (or at extremely low frequency if recessive) in Genome Aggregation Database.;Null variant in a gene where loss of function (LOF) is a known mechanism of disease.;For recessive disorders, detected in trans with a pathogenic variant.;Patient's phenotype or family history is highly specific for a disease with a single genetic etiology.

OMIM
Classification: Pathogenic for SPERMATOGENIC FAILURE 31. Last evaluated: 2019-03-12. Review status: no assertion criteria provided. Collection method: literature only. Allele origin: germline. Not counted in ClinVar's aggregate classification.

Literature cited by the submitters: PubMed 30298696 (cited by OMIM).

NM_031293.3(PMFBP1):c.2561_2562del (p.Lys854fs)

Gene: PMFBP1 (polyamine modulated factor 1 binding protein 1; minus strand). Cytogenetic location: 16q22.2.
Variant type: Deletion.
Coding change: c.2561_2562del on transcript NM_031293.3 (MANE Select); coding-DNA positions 2561 to 2562, 2 bases deleted (AA; older notation c.2561_2562delAA).
Protein change: p.Lys854fs; shifts the reading frame from lysine 854.
Molecular consequence: frameshift variant.
Genome position (GRCh38, 1-based): chr16:72,124,794-72,124,795, TT deleted on the plus strand (AA on the coding strand, the reverse complement: PMFBP1 is on the minus strand); deleting any 2 consecutive bases within chr16:72,124,794-72,124,797 gives the same sequence; the c. name uses the placement nearest the transcript's 3' end. VCF-style (leftmost placement, unchanged base first): chr16-72124793-CTT-C. GRCh37 (hg19) VCF-style: chr16-72158692-CTT-C.
Other names: c.2126_2127del, p.Lys709fs (NM_001160213.2); short protein forms K709fs, K854fs.
Identifiers: ClinVar variation 619946 (VCV000619946.4), dbSNP rs772371753, ClinGen allele CA8161328.